The following is an entry in ClinVar:

ClinVar aggregate classification (germline): Uncertain significance (1 of 4 stars; one submission).

Conditions:
Epileptic encephalopathy. Identifiers: MedGen C0543888, HP:0200134.

Allele frequency attached by ClinVar (database versions not stated): TOPMed 0.00001; ExAC 0.00002; gnomAD exomes 0.00002.
gnomAD v4.1: 32 of 1,614,004 alleles (0.002%); highest among the groups gnomAD compares: Non-Finnish European, 0.0027%; no homozygotes.

Submission:

Labcorp Genetics (formerly Invitae), Labcorp
Classification: Uncertain significance for Epileptic encephalopathy. Last evaluated: 2020-06-06. Review status: criteria provided, single submitter. Criteria: Invitae Variant Classification Sherloc (09022015). Collection method: clinical testing. Allele origin: germline.
Comment: In summary, the available evidence is currently insufficient to determine the role of this variant in disease. Therefore, it has been classified as a Variant of Uncertain Significance. This sequence change replaces glutamic acid with aspartic acid at codon 1895 of the RYR3 protein (p.Glu1895Asp). The glutamic acid residue is highly conserved and there is a small physicochemical difference between glutamic acid and aspartic acid. This variant is present in population databases (rs749924697, ExAC 0.003%). This variant has not been reported in the literature in individuals with RYR3-related conditions. Algorithms developed to predict the effect of missense changes on protein structure and function (SIFT, PolyPhen-2, Align-GVGD) all suggest that this variant is likely to be tolerated, but these predictions have not been confirmed by published functional studies and their clinical significance is uncertain.

NM_001036.6(RYR3):c.5685G>T (p.Glu1895Asp)

Gene: RYR3 (ryanodine receptor 3; plus strand). Cytogenetic location: 15q14.
Variant type: single nucleotide variant.
Coding change: c.5685G>T on transcript NM_001036.6 (MANE Select); coding-DNA position 5685, G replaced by T.
Protein change: p.Glu1895Asp; replaces glutamic acid 1895 with aspartic acid.
Molecular consequence: missense variant.
Genome position (GRCh38, 1-based): chr15:33,669,419, G>T. VCF-style: chr15-33669419-G-T. GRCh37 (hg19) VCF-style: chr15-33961620-G-T.
Other names: c.5685G>T, p.Glu1895Asp (NM_001243996.4); short protein forms E1895D.
Identifiers: ClinVar variation 1015933 (VCV001015933.8), dbSNP rs749924697, ClinGen allele CA7459313.